The following is an entry in ClinVar:

ClinVar aggregate classification (germline): Uncertain significance. Review status: criteria provided, multiple submitters, no conflicts (2 of 4 stars). 5 submissions from 5 submitters: Uncertain significance (5). Last evaluated 2025-05-22.

Conditions:
Inborn genetic diseases. Identifiers: MedGen C0950123, MeSH D030342.
Hereditary spastic paraplegia 11. Also called: Spastic Paraplegia 11; SPASTIC PARAPLEGIA, AUTOSOMAL RECESSIVE, COMPLICATED, WITH THIN CORPUS CALLOSUM; SPASTIC PARAPLEGIA, AUTOSOMAL RECESSIVE, WITH MENTAL IMPAIRMENT AND THIN CORPUS CALLOSUM; Nakamura Osame syndrome; Autosomal recessive hereditary spastic paraplegia, mental impairment, and thin corpus callosum; Spastic paraplegia, mental retardation and thin corpus callosum. Identifiers: Orphanet 2822, MedGen C1858479, MONDO:0011445, OMIM 604360.
SPG11-related disorder. Also called: SPG11-related condition.

Allele frequency attached by ClinVar (database versions not stated): gnomAD exomes below 0.00001; ExAC 0.00001; TOPMed 0.00003; gnomAD 0.00008 and 0.00009.
gnomAD v4.1: 22 of 1,614,004 alleles (0.0014%); highest among the groups gnomAD compares: Admixed American, 0.02%; 1 homozygote.

Submissions (5):

PreventionGenetics, part of Exact Sciences
Classification: Uncertain significance for SPG11-related condition. Last evaluated: 2025-05-22. Review status: criteria provided, single submitter. Criteria: ACMG Guidelines, 2015. Collection method: clinical testing. Allele origin: germline.
Comment: The SPG11 c.4882G>C variant is predicted to result in the amino acid substitution p.Glu1628Gln. To our knowledge, this variant has not been reported in the literature or in a large population database (gnomAD), indicating this variant is rare. At this time, the clinical significance of this variant is uncertain due to the absence of conclusive functional and genetic evidence.

GeneDx
Classification: Uncertain significance. Last evaluated: 2025-04-05. Review status: criteria provided, single submitter. Criteria: GeneDx Variant Classification Process June 2021. Collection method: clinical testing. Allele origin: germline. Affected: yes.
Comment: Not observed at significant frequency in large population cohorts (gnomAD); In silico analysis indicates that this missense variant does not alter protein structure/function; Has not been previously published as pathogenic or benign to our knowledge

Ambry Genetics
Classification: Uncertain significance for Inborn genetic diseases. Last evaluated: 2024-12-11. Review status: criteria provided, single submitter. Criteria: Ambry Variant Classification Scheme 2023. Collection method: clinical testing. Allele origin: germline.

Blueprint Genetics
Classification: Uncertain significance. Last evaluated: 2024-08-16. Review status: criteria provided, single submitter. Criteria: ACMG Guidelines, 2015. Collection method: clinical testing. Allele origin: germline.

Labcorp Genetics (formerly Invitae), Labcorp
Classification: Uncertain significance for Hereditary spastic paraplegia 11. Last evaluated: 2022-07-11. Review status: criteria provided, single submitter. Criteria: Invitae Variant Classification Sherloc (09022015). Collection method: clinical testing. Allele origin: germline.
Comment: This sequence change replaces glutamic acid, which is acidic and polar, with glutamine, which is neutral and polar, at codon 1628 of the SPG11 protein (p.Glu1628Gln). This variant is not present in population databases (gnomAD no frequency). This variant has not been reported in the literature in individuals affected with SPG11-related conditions. ClinVar contains an entry for this variant (Variation ID: 946173). Algorithms developed to predict the effect of missense changes on protein structure and function (SIFT, PolyPhen-2, Align-GVGD) all suggest that this variant is likely to be tolerated. In summary, the available evidence is currently insufficient to determine the role of this variant in disease. Therefore, it has been classified as a Variant of Uncertain Significance.

NM_025137.4(SPG11):c.4882G>C (p.Glu1628Gln)

Gene: SPG11 (SPG11 vesicle trafficking associated, spatacsin; minus strand). Cytogenetic location: 15q21.1.
Variant type: single nucleotide variant.
Coding change: c.4882G>C on transcript NM_025137.4 (MANE Select); coding-DNA position 4882, G replaced by C.
Protein change: p.Glu1628Gln; replaces glutamic acid 1628 with glutamine.
Molecular consequence: missense variant.
Genome position (GRCh38, 1-based): chr15:44,589,276, C>G on the plus strand (G>C on the coding strand, the complement: SPG11 is on the minus strand). VCF-style: chr15-44589276-C-G. GRCh37 (hg19) VCF-style: chr15-44881474-C-G.
Other names: c.4882G>C, p.Glu1628Gln (NM_001160227.2); short protein forms E1628Q.
Identifiers: ClinVar variation 946173 (VCV000946173.11), dbSNP rs763204091, ClinGen allele CA7534561.
Genomic context (GRCh38, chr15:44,589,276, plus strand): 5'-TTCTTAATAGCAACTTAACTGTAAGGATTGTCTTACCATCAGAGAAGAGATGCTCTCTTT[C>G]AACAAAGAGCTGTAAAAGCTTCCCCAGCTCATACTGGGTCTTACACTGCTGTAGCATAAG-3'
Protein context (NP_079413.3, residues 1618-1638): ELGKLLQLFV[Glu1628Gln]REHLFSDGPD